The following is an entry in ClinVar:

ClinVar aggregate classification (germline): Uncertain significance. Review status: criteria provided, multiple submitters, no conflicts (2 of 4 stars). 3 submissions from 3 submitters: Uncertain significance (3). Last evaluated 2025-08-06.

Conditions:
Inborn genetic diseases. Identifiers: MedGen C0950123, MeSH D030342.
Spinocerebellar ataxia type 28 (SCA28). Also called: Spinocerebellar Ataxia Type 28 (SCA28). Identifiers: Orphanet 101109, MedGen C1853249, MONDO:0012450, OMIM 610246.

Allele frequency attached by ClinVar (database versions not stated): gnomAD exomes below 0.00001 and 0.00003; gnomAD 0.00001; TOPMed 0.00001.
gnomAD v4.1: 44 of 1,614,116 alleles (0.0027%); highest among the groups gnomAD compares: Non-Finnish European, 0.0035%; no homozygotes.

Submissions (3):

Ambry Genetics
Classification: Uncertain significance for Inborn genetic diseases. Last evaluated: 2025-08-06. Review status: criteria provided, single submitter. Criteria: Ambry Variant Classification Scheme 2023. Collection method: clinical testing. Allele origin: germline.

Illumina Laboratory Services, Illumina
Classification: Uncertain significance for Spinocerebellar ataxia type 28. Last evaluated: 2021-06-01. Review status: criteria provided, single submitter. Criteria: ICSLVariantClassificationCriteria RUGD 01 April 2020. Collection method: clinical testing. Allele origin: unknown.
Comment: The AFG3L2 c.365A>T (p.Lys122Ile) variant is a missense variant. A literature search was performed for the gene, cDNA change, and amino acid change. No publications were found based on this search. The p.Lys122Ile variant is reported at a frequency of 0.000013 in the total population of the Genome Aggregation Database (v3.1.1) though this is based on two alleles in a region of good sequence coverage, so the variant is presumed to be rare. Based on the limited evidence, the p.Lys122Ile variant is classified as a variant of uncertain significance for spinocerebellar ataxia type 28.

Athena Diagnostics
Classification: Uncertain significance. Last evaluated: 2020-11-10. Review status: criteria provided, single submitter. Criteria: Athena Diagnostics criteria. Collection method: clinical testing. Allele origin: unknown.

NM_006796.3(AFG3L2):c.365A>T (p.Lys122Ile)

Gene: AFG3L2 (AFG3 like matrix AAA peptidase subunit 2; minus strand). Cytogenetic location: 18p11.21.
Variant type: single nucleotide variant.
Coding change: c.365A>T on transcript NM_006796.3 (MANE Select); coding-DNA position 365, A replaced by T.
Protein change: p.Lys122Ile; replaces lysine 122 with isoleucine.
Molecular consequence: missense variant.
Genome position (GRCh38, 1-based): chr18:12,367,310, T>A on the plus strand (A>T on the coding strand, the complement: AFG3L2 is on the minus strand). VCF-style: chr18-12367310-T-A. GRCh37 (hg19) VCF-style: chr18-12367309-T-A.
Other names: short protein forms K122I.
Identifiers: ClinVar variation 586463 (VCV000586463.7), dbSNP rs915684170, ClinGen allele CA296713390.